The following is an entry in ClinVar:

NM_001174089.2(SLC4A11):c.1572C>T (p.Leu524=)

Gene: SLC4A11 (solute carrier family 4 member 11; minus strand). Cytogenetic location: 20p13.
Variant type: single nucleotide variant.
Coding change: c.1572C>T on transcript NM_001174089.2 (MANE Select); coding-DNA position 1572, C replaced by T.
Protein change: p.Leu524=; no amino-acid change (leucine 524 retained).
Molecular consequence: synonymous variant. On other transcripts: non-coding transcript variant (1).
Genome position (GRCh38, 1-based): chr20:3,229,694, G>A on the plus strand (C>T on the coding strand, the complement: SLC4A11 is on the minus strand). VCF-style: chr20-3229694-G-A. GRCh37 (hg19) VCF-style: chr20-3210340-G-A.
Other names: p.Leu540=; c.1701C>T, p.Leu567= (NM_001174090.2); c.1458C>T, p.Leu486= (NM_001363745.2); c.1620C>T, p.Leu540= (NM_032034.4).
Identifiers: ClinVar variation 338245 (VCV000338245.19), dbSNP rs201595005, ClinGen allele CA9741790.
Genomic context (GRCh38, chr20:3,229,694, plus strand): 5'-GGGGCTGGCGAGGAAGCTGGCGTTGAGGGCAGTGTGGAGGCTGGCGTTGAGGCTGGCGCC[G>A]AGGCCTGACAGGCTGACAAGGGATGAAGTCCTTTTTGTGTGATAGTCGTCCAAGTAATGC-3'
Protein context (NP_001167560.1, residues 514-534): RTSSLVSLSG[Leu524=]GASLNASLHT

ClinVar aggregate classification (germline): Conflicting classifications of pathogenicity. Review status: criteria provided, conflicting classifications (1 of 4 stars). 5 submissions from 5 submitters: Uncertain significance (1); Benign (2). 2 of the submissions do not count toward it. Last evaluated 2026-01-31.

Conditions:
Corneal dystrophy. Identifiers: Orphanet 34533, MedGen C0010036, MONDO:0018102, HP:0001131.
SLC4A11-related disorder. Also called: SLC4A11-related condition.
Corneal dystrophy-perceptive deafness syndrome (CDPD). Also called: CORNEAL DYSTROPHY AND SENSORINEURAL DEAFNESS; HARBOYAN SYNDROME. Identifiers: Orphanet 1490, MedGen C1857572, MONDO:0009015, OMIM 217400.

Allele frequency attached by ClinVar (database versions not stated): ESP Exome Variant Server 0.00008; gnomAD exomes 0.00056 and 0.00198; gnomAD 0.00063 and 0.00086; TOPMed 0.00093; ExAC 0.00190; 1000 Genomes Project 30x 0.00281; 1000 Genomes Project 0.00319.
gnomAD v4.1: 979 of 1,613,942 alleles (0.061%); highest among the groups gnomAD compares: East Asian, 1.9%; 10 homozygotes.

Submissions (5):

Labcorp Genetics (formerly Invitae), Labcorp
Classification: Benign. Last evaluated: 2026-01-31. Review status: criteria provided, single submitter. Criteria: Invitae Variant Classification Sherloc (09022015). Collection method: clinical testing. Allele origin: germline.

Mayo Clinic Laboratories, Mayo Clinic
Classification: Benign. Last evaluated: 2025-03-13. Review status: criteria provided, single submitter. Criteria: ACMG Guidelines, 2015. Collection method: clinical testing. Allele origin: germline. Observed: 1 variant allele.
Comment: BA1, BS2, BP4, BP7

Illumina Laboratory Services, Illumina
Classification: Uncertain significance for Corneal dystrophy. Last evaluated: 2018-01-13. Review status: criteria provided, single submitter. Criteria: ICSL Variant Classification Criteria 13 December 2019. Collection method: clinical testing. Allele origin: germline.

PreventionGenetics, part of Exact Sciences
Classification: Benign for SLC4A11-related condition. Last evaluated: 2024-07-12. Review status: no assertion criteria provided. Collection method: clinical testing. Allele origin: germline. Not counted in ClinVar's aggregate classification.
Comment: This variant is classified as benign based on ACMG/AMP sequence variant interpretation guidelines (Richards et al. 2015 PMID: 25741868, with internal and published modifications).

Natera, Inc.
Classification: Benign for Harboyan syndrome. Last evaluated: 2019-12-18. Review status: no assertion criteria provided. Collection method: clinical testing. Allele origin: germline. Not counted in ClinVar's aggregate classification.